The following is an entry in ClinVar:

ClinVar aggregate classification (germline): Conflicting classifications of pathogenicity. Review status: criteria provided, conflicting classifications (1 of 4 stars). 12 submissions from 12 submitters: Uncertain significance (2); Benign (2); Likely benign (7). 1 of the submissions does not count toward it. Last evaluated 2026-08-01.

Conditions:
Hereditary cancer-predisposing syndrome. Also called: Neoplastic Syndromes, Hereditary; Tumor predisposition; Hereditary neoplastic syndrome; Hereditary Cancer Syndrome. Identifiers: Orphanet 140162, MedGen C0027672, MeSH D009386, MONDO:0015356.
Familial cancer of breast. Also called: Hereditary breast cancer; hereditary breast carcinoma; BREAST CANCER, FAMILIAL. Identifiers: Orphanet 227535, MedGen C0346153, MONDO:0016419, OMIM 114480. Disease mechanism: loss of function.
Ataxia-telangiectasia syndrome (AT). Also called: Ataxia-telangiectasia, complementation group D; AT, COMPLEMENTATION GROUP C; Ataxia telangiectasia (A-T); LOUIS-BAR SYNDROME; Cerebello-oculocutaneous telangiectasia; Immunodeficiency with ataxia telangiectasia. Identifiers: Orphanet 100, MedGen C0004135, MONDO:0008840, OMIM 208900.
Malignant tumor of breast. Also called: Malignant breast neoplasm; Cancer breast. Identifiers: MedGen C0006142, MONDO:0007254. Disease mechanism: loss of function.

Allele frequency attached by ClinVar (database versions not stated): gnomAD 0.00001 and 0.00002; gnomAD exomes 0.00002 and 0.00004; TOPMed 0.00002; ExAC 0.00003.
gnomAD v4.1: 38 of 1,613,484 alleles (0.0024%); highest among the groups gnomAD compares: Middle Eastern, 0.033%; no homozygotes.

Submissions (12):

CeGaT Center for Human Genetics Tuebingen
Classification: Uncertain significance. Last evaluated: 2026-08-01. Review status: criteria provided, single submitter. Criteria: CeGaT Center For Human Genetics Tuebingen Variant Classification Criteria Version 2. Collection method: clinical testing. Allele origin: germline. Affected: yes. Observed: 1 variant allele.
Comment: ATM: PM2:Supporting, BP4

Labcorp Genetics (formerly Invitae), Labcorp
Classification: Likely benign for Ataxia-telangiectasia syndrome. Last evaluated: 2026-01-25. Review status: criteria provided, single submitter. Criteria: Invitae Variant Classification Sherloc (09022015). Collection method: clinical testing. Allele origin: germline.

Women's Health and Genetics/Laboratory Corporation of America, LabCorp
Classification: Likely benign. Last evaluated: 2025-09-02. Review status: criteria provided, single submitter. Criteria: LabCorp Variant Classification Summary - May 2015. Collection method: clinical testing. Allele origin: germline.

Myriad Genetics, Inc.
Classification: Benign for Familial cancer of breast. Last evaluated: 2024-04-19. Review status: criteria provided, single submitter. Criteria: Myriad Autosomal Dominant, Autosomal Recessive and X-Linked Classification Criteria (2023). Collection method: clinical testing. Allele origin: unknown.
Comment: This variant is considered benign. This variant is a silent/synonymous amino acid change and it is not expected to impact splicing.

Blueprint Genetics
Classification: Likely benign. Last evaluated: 2023-09-26. Review status: criteria provided, single submitter. Criteria: ACMG Guidelines, 2015. Collection method: clinical testing. Allele origin: germline.

KCCC/NGS Laboratory, Kuwait Cancer Control Center
Classification: Likely benign for Familial cancer of breast. Last evaluated: 2023-07-07. Review status: criteria provided, single submitter. Criteria: ACMG Guidelines, 2015. Collection method: clinical testing. Allele origin: germline. Affected: yes.

Sema4
Classification: Uncertain significance for Hereditary cancer-predisposing syndrome. Last evaluated: 2021-10-11. Review status: criteria provided, single submitter. Criteria: Sema4 Curation Guidelines. Collection method: curation. Allele origin: germline.
Comment: The ATM c.591A>T (p.G197=) variant has not been reported in the literature to our knowledge; however, another nucleotide change resulting in this synonymous variant, c.591A>G (p.G197=), has been reported in at least one individual undergoing hereditary cancer multigene panel testing (PMID: 31159747). It was observed in 2/30602 chromosomes of the South Asian subpopulation in the large and broad cohorts of the Genome Aggregation Database (PMID: 32461654). The variant has been reported in ClinVar (Variation ID: 135763). In silico tools suggest that the variant may create or strengthen a cryptic splice site, though these predictions have not been confirmed by functional studies. The evidence is insufficient to meet ACMG/AMP criteria for classifying the variant as benign or pathogenic. Thus, the clinical significance of this variant is currently uncertain.

Color Diagnostics, LLC DBA Color Health
Classification: Likely benign for Hereditary cancer-predisposing syndrome. Last evaluated: 2016-06-20. Review status: criteria provided, single submitter. Criteria: ACMG Guidelines, 2015. Collection method: clinical testing. Allele origin: germline.

GeneDx
Classification: Benign. Last evaluated: 2015-05-06. Review status: criteria provided, single submitter. Criteria: GeneDx Variant Classification Process June 2021. Collection method: clinical testing. Allele origin: germline. Affected: yes.

Ambry Genetics
Classification: Likely benign for Hereditary cancer-predisposing syndrome. Last evaluated: 2014-07-30. Review status: criteria provided, single submitter. Criteria: Ambry Variant Classification Scheme 2023. Collection method: clinical testing. Allele origin: germline.

PreventionGenetics, part of Exact Sciences
Classification: Likely benign. Review status: criteria provided, single submitter. Criteria: ACMG Guidelines, 2015. Collection method: clinical testing. Allele origin: germline.

Department of Pathology and Laboratory Medicine, Sinai Health System
Classification: Uncertain significance for Malignant tumor of breast. Review status: no assertion criteria provided. Collection method: clinical testing. Allele origin: unknown. Affected: yes. Study: The Canadian Open Genetics Repository (COGR). Not counted in ClinVar's aggregate classification.
Comment: The ATM p.Gly197= variant was not identified in the literature nor was it identified in the LOVD 3.0 databases. The variant was identified in dbSNP (rs587780630) as â€šÃ„Ãºwith likely benign alleleâ€šÃ„Ã¹, ClinVar (interpreted as "likely benign" by Invitae and 3 others). The variant was identified in control databases in 9 of 245,816 chromosomes at a frequency of 0.00004 (Genome Aggregation Database Feb 27, 2017). The variant was observed in the following populations: Other in 2 of 5460 chromosomes (freq: 0.0004), European in 5 of 111,480 chromosomes (freq: 0.00005), and South Asian in 2 of 30,772 chromosomes (freq: 0.00007). The variant was not observed in the African, Latino, Ashkenazi Jewish, East Asian and Finnish populations. The p.Gly197= variant is not expected to have clinical significance because it does not result in a change of amino acid and is not located in a known consensus splice site. The variant occurs at a non-conserved nucleotide outside of the splicing consensus sequence and 1 of 4 in silico or computational prediction software programs (SpliceSiteFinder, MaxEntScan, NNSPLICE, GeneSplicer) predict a greater than 10% difference in splicing, predicting the creation of a new 3â€šÃ„Ã´ splice site; this is not very predictive of pathogenicity. In summary, based on the above information the clinical significance of this variant cannot be determined with certainty at this time. This variant is classified as a variant of uncertain significance.

Literature cited by the submitters: PubMed 31159747 (cited by Sema4).

NM_000051.4(ATM):c.591A>T (p.Gly197=)

Gene: ATM (ATM serine/threonine kinase; plus strand). Cytogenetic location: 11q22.3.
Variant type: single nucleotide variant.
Coding change: c.591A>T on transcript NM_000051.4 (MANE Select); coding-DNA position 591, A replaced by T.
Protein change: p.Gly197=; no amino-acid change (glycine 197 retained).
Molecular consequence: synonymous variant.
Genome position (GRCh38, 1-based): chr11:108,244,047, A>T. VCF-style: chr11-108244047-A-T. GRCh37 (hg19) VCF-style: chr11-108114774-A-T.
Other names: c.591A>T, p.Gly197= (NM_001351834.2).
Identifiers: ClinVar variation 135763 (VCV000135763.27), dbSNP rs587780630, ClinGen allele CA192923.